The following is an entry in ClinVar:

NM_001346249.2(RALGAPA1):c.331A>T (p.Ile111Phe)

Gene: RALGAPA1 (Ral GTPase activating protein catalytic subunit alpha 1; minus strand). Cytogenetic location: 14q13.2.
Variant type: single nucleotide variant.
Coding change: c.331A>T on transcript NM_001346249.2 (MANE Select); coding-DNA position 331, A replaced by T.
Protein change: p.Ile111Phe; replaces isoleucine 111 with phenylalanine.
Molecular consequence: missense variant.
Genome position (GRCh38, 1-based): chr14:35,762,748, T>A on the plus strand (A>T on the coding strand, the complement: RALGAPA1 is on the minus strand). VCF-style: chr14-35762748-T-A. GRCh37 (hg19) VCF-style: chr14-36231954-T-A.
Other names: c.331A>T, p.Ile111Phe (NM_001283043.3, NM_001283044.3, NM_001330075.3 and 7 more transcripts); short protein forms I111F.
Identifiers: ClinVar variation 3340995 (VCV003340995.1).

ClinVar aggregate classification (germline): Uncertain significance (1 of 4 stars; one submission).

Submission:

GeneDx
Classification: Uncertain significance. Last evaluated: 2023-12-09. Review status: criteria provided, single submitter. Criteria: GeneDx Variant Classification Process June 2021. Collection method: clinical testing. Allele origin: germline. Affected: yes.
Comment: Not observed at significant frequency in large population cohorts (gnomAD); In silico analysis supports that this missense variant does not alter protein structure/function; Has not been previously published as pathogenic or benign to our knowledge